The following is an entry in ClinVar:

ClinVar aggregate classification (germline): Uncertain significance (1 of 4 stars; one submission).

Conditions:
Delayed sleep phase syndrome, susceptibility to (DSPD). Identifiers: MedGen C3279991, MONDO:0800001, OMIM 614163.

Allele frequency attached by ClinVar (database versions not stated): gnomAD exomes below 0.00001; ExAC 0.00001.
gnomAD v4.1: 2 of 1,578,968 alleles (0.00013%); no homozygotes.

Submission:

Victorian Clinical Genetics Services, Murdoch Childrens Research Institute
Classification: Uncertain significance for Delayed sleep phase syndrome, susceptibility to. Last evaluated: 2023-07-17. Review status: criteria provided, single submitter. Criteria: ACMG Guidelines, 2015. Collection method: clinical testing. Allele origin: germline. Inheritance: Autosomal dominant inheritance. Affected: yes.
Comment: Based on the classification scheme VCGS_Germline_v1.3.4, this variant is classified as VUS-3B. Following criteria are met: 0105 - The mechanism of disease for this gene is not clearly established. However, functional analysis of splice variants has suggested both a loss- and gain-of-function mechanism (PMID: 32538895, PMID: 28388406). (I) 0107 - This gene is associated with autosomal dominant disease. (I) 0200 - Variant is predicted to result in a missense amino acid change from valine to methionine. (I) 0219 - This variant is non-coding in an alternative transcript. This variant is non-coding in multiple transcripts; however, it is coding in the MANE select transcript (UCSC) and the most highly expressed transcript (GTex). (I) 0251 - This variant is heterozygous. (I) 0302 - Variant is present in gnomAD (v2) <0.001 for a dominant condition (1 heterozygote, 0 homozygotes). However, this variant is of questionable quality. (SP) 0502 - Missense variant with conflicting in silico predictions and uninformative conservation. (I) 0600 - Variant is located in the annotated DNA photolyase domain (DECIPHER). (I) 0705 - No comparable missense variants have previous evidence for pathogenicity. (I) 0807 - This variant has no previous evidence of pathogenicity. (I) 0905 - No published segregation evidence has been identified for this variant. (I) 1007 - No published functional evidence has been identified for this variant. (SP) Legend: (SP) - Supporting pathogenic, (I) - Information, (SB) - Supporting benign

Literature cited by the submitters: PubMed 28388406; PubMed 32538895.

NM_004075.5(CRY1):c.16G>A (p.Val6Met)

Gene: CRY1 (cryptochrome circadian regulator 1; minus strand). Cytogenetic location: 12q23.3.
Variant type: single nucleotide variant.
Coding change: c.16G>A on transcript NM_004075.5 (MANE Select); coding-DNA position 16, G replaced by A.
Protein change: p.Val6Met; replaces valine 6 with methionine.
Molecular consequence: missense variant. On other transcripts: 5 prime UTR variant (7), non-coding transcript variant (2).
Genome position (GRCh38, 1-based): chr12:107,092,946, C>T on the plus strand (G>A on the coding strand, the complement: CRY1 is on the minus strand). VCF-style: chr12-107092946-C-T. GRCh37 (hg19) VCF-style: chr12-107486724-C-T.
Other names: c.16G>A, p.Val6Met (NM_001413458.1, NM_001413459.1, NM_001413460.1 and 3 more transcripts); c.-189G>A (NM_001413464.1, NM_001413465.1); c.-229G>A (NM_001413466.1); c.-427G>A (NM_001413467.1, NM_001413470.1); c.-442G>A (NM_001413468.1); c.-724G>A (NM_001413469.1); short protein forms V6M.
Identifiers: ClinVar variation 3254738 (VCV003254738.1), dbSNP rs766372280.